The following is an entry in ClinVar:

ClinVar aggregate classification (germline): Conflicting classifications of pathogenicity. Review status: criteria provided, conflicting classifications (1 of 4 stars). 3 submissions from 3 submitters: Likely pathogenic (1); Uncertain significance (1). 1 of the submissions does not count toward it. Last evaluated 2025-11-11.

Conditions:
Glycogen storage disease, type VII (GSD7). Also called: GSD VII; MUSCLE PHOSPHOFRUCTOKINASE DEFICIENCY; PFKM DEFICIENCY; TARUI DISEASE. Identifiers: Orphanet 371, MedGen C0017926, MONDO:0009295, OMIM 232800.
PFKM-related disorder. Also called: PFKM-related condition.

Allele frequency attached by ClinVar (database versions not stated): TOPMed below 0.00001; gnomAD exomes 0.00001; ExAC 0.00002.
gnomAD v4.1: 11 of 1,602,810 alleles (0.00069%); highest among the groups gnomAD compares: African/African-American, 0.0013%; no homozygotes.

Submissions (3):

Labcorp Genetics (formerly Invitae), Labcorp
Classification: Uncertain significance for Glycogen storage disease, type VII. Last evaluated: 2025-11-11. Review status: criteria provided, single submitter. Criteria: Invitae Variant Classification Sherloc (09022015). Collection method: clinical testing. Allele origin: germline.
Comment: This sequence change falls in intron 9 of the PFKM gene. It does not directly change the encoded amino acid sequence of the PFKM protein. It affects a nucleotide within the consensus splice site. This variant is present in population databases (rs759413488, gnomAD 0.01%). This variant has not been reported in the literature in individuals affected with PFKM-related conditions. ClinVar contains an entry for this variant (Variation ID: 3059478). Variants that disrupt the consensus splice site are a relatively common cause of aberrant splicing (PMID: 17576681, 9536098). Algorithms developed to predict the effect of sequence changes on RNA splicing suggest that this variant may disrupt the consensus splice site. In summary, the available evidence is currently insufficient to determine the role of this variant in disease. Therefore, it has been classified as a Variant of Uncertain Significance.

Institute of Human Genetics Munich, TUM University Hospital
Classification: Likely pathogenic for Glycogen storage disease, type VII. Last evaluated: 2024-01-23. Review status: criteria provided, single submitter. Criteria: Classification criteria August 2017. Collection method: clinical testing. Allele origin: germline. Inheritance: Autosomal recessive inheritance. Affected: yes. Observed: 1 variant allele.

PreventionGenetics, part of Exact Sciences
Classification: Likely benign for PFKM-related condition. Last evaluated: 2021-09-16. Review status: no assertion criteria provided. Collection method: clinical testing. Allele origin: germline. Not counted in ClinVar's aggregate classification.
Comment: This variant is classified as likely benign based on ACMG/AMP sequence variant interpretation guidelines (Richards et al. 2015 PMID: 25741868, with internal and published modifications).

Literature cited by the submitters: PubMed 17576681 (cited by Labcorp Genetics (formerly Invitae), Labcorp); PubMed 9536098 (cited by Labcorp Genetics (formerly Invitae), Labcorp).

NM_000289.6(PFKM):c.843+5G>A

Gene: PFKM (phosphofructokinase, muscle; plus strand). Cytogenetic location: 12q13.11.
Variant type: single nucleotide variant.
Coding change: c.843+5G>A on transcript NM_000289.6 (MANE Select); 5 bases into the intron after coding-DNA position 843, G replaced by A.
Molecular consequence: intron variant. On other transcripts: non-coding transcript variant (4).
Genome position (GRCh38, 1-based): chr12:48,135,043, G>A. VCF-style: chr12-48135043-G-A. GRCh37 (hg19) VCF-style: chr12-48528826-G-A.
Other names: c.867+5G>A (NM_001354741.2); c.843+5G>A (NM_001354742.2, NM_001354743.2, NM_001354744.2 and 4 more transcripts); c.693+5G>A (NM_001354747.2, NM_001354748.2); c.1056+5G>A (NM_001166686.2, NM_001354737.1, NM_001354739.1 and 1 more transcripts); c.1152+5G>A (NM_001354736.1, NM_001354735.1); c.987+5G>A (NM_001354740.1); c.756+5G>A (NM_001354745.2).
Identifiers: ClinVar variation 3059478 (VCV003059478.9), dbSNP rs759413488, ClinGen allele CA6537112.